The following is an entry in ClinVar:

NM_139319.3(SLC17A8):c.1339A>G (p.Ser447Gly)

Gene: SLC17A8 (solute carrier family 17 member 8; plus strand). Cytogenetic location: 12q23.1.
Variant type: single nucleotide variant.
Coding change: c.1339A>G on transcript NM_139319.3 (MANE Select); coding-DNA position 1339, A replaced by G.
Protein change: p.Ser447Gly; replaces serine 447 with glycine.
Molecular consequence: missense variant.
Genome position (GRCh38, 1-based): chr12:100,418,070, A>G. VCF-style: chr12-100418070-A-G. GRCh37 (hg19) VCF-style: chr12-100811848-A-G.
Other names: c.1189A>G, p.Ser397Gly (NM_001145288.2); short protein forms S397G, S447G.
Identifiers: ClinVar variation 3346782 (VCV003346782.1).

ClinVar aggregate classification (germline): Uncertain significance (0 of 4 stars; one submission).

Conditions:
SLC17A8-related disorder. Also called: SLC17A8-related condition.

gnomAD v4.1: 1 of 1,614,206 alleles (0.000062%); highest among the groups gnomAD compares: Admixed American, 0.0017%; no homozygotes.

Submission:

PreventionGenetics, part of Exact Sciences
Classification: Uncertain significance for SLC17A8-related condition. Last evaluated: 2024-04-10. Review status: no assertion criteria provided. Collection method: clinical testing. Allele origin: germline.
Comment: The SLC17A8 c.1339A>G variant is predicted to result in the amino acid substitution p.Ser447Gly. To our knowledge, this variant has not been reported in the literature. This variant is reported in 0.0029% of alleles in individuals of Latino descent in gnomAD. At this time, the clinical significance of this variant is uncertain due to the absence of conclusive functional and genetic evidence.